The following is an entry in ClinVar:

NM_014956.5(CEP164):c.3242C>T (p.Ser1081Phe)

Gene: CEP164 (centrosomal protein 164; plus strand). Cytogenetic location: 11q23.3.
Variant type: single nucleotide variant.
Coding change: c.3242C>T on transcript NM_014956.5 (MANE Select); coding-DNA position 3242, C replaced by T.
Protein change: p.Ser1081Phe; replaces serine 1081 with phenylalanine.
Molecular consequence: missense variant.
Genome position (GRCh38, 1-based): chr11:117,396,575, C>T. VCF-style: chr11-117396575-C-T. GRCh37 (hg19) VCF-style: chr11-117267291-C-T.
Other names: c.3251C>T, p.Ser1084Phe (NM_001271933.2); c.3242C>T (NM_014956.4); short protein forms S1084F, S1081F.
Identifiers: ClinVar variation 1394370 (VCV001394370.5), dbSNP rs201488532, ClinGen allele CA6295384.

ClinVar aggregate classification (germline): Uncertain significance. Review status: criteria provided, multiple submitters, no conflicts (2 of 4 stars). 2 submissions from 2 submitters: Uncertain significance (2). Last evaluated 2026-09-04.

Conditions:
Nephronophthisis 15 (NPHP15). Identifiers: Orphanet 3156, MedGen C3541853, MONDO:0013917, OMIM 614845.
CEP164-related disorder. Also called: CEP164-related condition.

Allele frequency attached by ClinVar (database versions not stated): gnomAD exomes below 0.00001 and 0.00001; ExAC 0.00001; gnomAD 0.00001; TOPMed 0.00001; 1000 Genomes Project 0.00020; 1000 Genomes Project 30x 0.00031.
gnomAD v4.1: 2 of 1,613,824 alleles (0.00012%); highest among the groups gnomAD compares: Admixed American, 0.0017%; no homozygotes.

Submissions (2):

PreventionGenetics, part of Exact Sciences
Classification: Uncertain significance for CEP164-related condition. Last evaluated: 2026-09-04. Review status: criteria provided, single submitter. Criteria: ACMG Guidelines, 2015. Collection method: clinical testing. Allele origin: germline.
Comment: The CEP164 c.3242C>T variant is predicted to result in the amino acid substitution p.Ser1081Phe. To our knowledge, this variant has not been reported in the literature. This variant is reported in 0.0029% of alleles in individuals of Latino descent in gnomAD. At this time, the clinical significance of this variant is uncertain due to the absence of conclusive functional and genetic evidence.

Labcorp Genetics (formerly Invitae), Labcorp
Classification: Uncertain significance for Nephronophthisis 15. Last evaluated: 2022-06-20. Review status: criteria provided, single submitter. Criteria: Invitae Variant Classification Sherloc (09022015). Collection method: clinical testing. Allele origin: germline.
Comment: In summary, the available evidence is currently insufficient to determine the role of this variant in disease. Therefore, it has been classified as a Variant of Uncertain Significance. Algorithms developed to predict the effect of missense changes on protein structure and function are either unavailable or do not agree on the potential impact of this missense change (SIFT: "Deleterious"; PolyPhen-2: "Benign"; Align-GVGD: "Class C0"). This variant has not been reported in the literature in individuals affected with CEP164-related conditions. This variant is present in population databases (rs201488532, gnomAD 0.0009%). This sequence change replaces serine, which is neutral and polar, with phenylalanine, which is neutral and non-polar, at codon 1081 of the CEP164 protein (p.Ser1081Phe).